The following is an entry in ClinVar:

ClinVar aggregate classification (germline): Uncertain significance. Review status: criteria provided, multiple submitters, no conflicts (2 of 4 stars). 2 submissions from 2 submitters: Uncertain significance (2). Last evaluated 2024-05-02.

Conditions:
Childhood hypophosphatasia. Identifiers: Orphanet 247667, Orphanet 436, MedGen C0220743, MONDO:1010168, OMIM 241510, MONDO:0009428.
Adult hypophosphatasia. Identifiers: Orphanet 247676, Orphanet 436, MedGen C0268413, MONDO:1010154, OMIM 146300, MONDO:0007798.
Infantile hypophosphatasia. Identifiers: Orphanet 247651, Orphanet 436, MedGen C0268412, MONDO:1010169, OMIM 241500, MONDO:0009427.

gnomAD v4.1: 1 of 1,614,168 alleles (0.000062%); highest among the groups gnomAD compares: Non-Finnish European, 0.000085%; no homozygotes.

Submissions (2):

Women's Health and Genetics/Laboratory Corporation of America, LabCorp
Classification: Uncertain significance. Last evaluated: 2024-05-02. Review status: criteria provided, single submitter. Criteria: LabCorp Variant Classification Summary - May 2015. Collection method: clinical testing. Allele origin: germline.
Comment: Variant summary: ALPL c.1166C>T (p.Thr389Ile) results in a non-conservative amino acid change in the encoded protein sequence. Five of five in-silico tools predict a damaging effect of the variant on protein function. The variant was absent in 251472 control chromosomes. The available data on variant occurrences in the general population are insufficient to allow any conclusion about variant significance. To our knowledge, no occurrence of c.1166C>T in individuals affected with Hypophosphatasia and no experimental evidence demonstrating its impact on protein function have been reported. The HGMD reported this variant citing ALPL Locus-specific database, which is not available for further analysis. Additionally, at least one variant at the Thr389 residue has been reported as Likely Pathogenic at our lab (p.Thr389Asn), suggesting that this codon may be functionally important. No submitters have cited clinical-significance assessments for this variant to ClinVar. Based on the evidence outlined above, the variant was classified as uncertain significance.

Department of Pathology and Laboratory Medicine, Sinai Health System
Classification: Uncertain significance for Adult hypophosphatasia; Childhood hypophosphatasia; Infantile hypophosphatasia. Last evaluated: 2023-01-30. Review status: criteria provided, single submitter. Criteria: ACMG Guidelines, 2015. Collection method: research. Allele origin: germline.

NM_000478.6(ALPL):c.1166C>T (p.Thr389Ile)

Gene: ALPL (alkaline phosphatase, biomineralization associated; plus strand). Cytogenetic location: 1p36.12.
Variant type: single nucleotide variant.
Coding change: c.1166C>T on transcript NM_000478.6 (MANE Select); coding-DNA position 1166, C replaced by T.
Protein change: p.Thr389Ile; replaces threonine 389 with isoleucine.
Molecular consequence: missense variant.
Genome position (GRCh38, 1-based): chr1:21,575,901, C>T. VCF-style: chr1-21575901-C-T. GRCh37 (hg19) VCF-style: chr1-21902394-C-T.
Other names: c.1001C>T, p.Thr334Ile (NM_001127501.4); c.935C>T, p.Thr312Ile (NM_001177520.3); c.1166C>T, p.Thr389Ile (NM_001369803.2, NM_001369804.2, NM_001369805.2); short protein forms T312I, T334I, T389I.
Identifiers: ClinVar variation 3336263 (VCV003336263.2).